The following is an entry in ClinVar:

NM_001384900.1(SEMA3D):c.1768+7A>C

Gene: SEMA3D (semaphorin 3D; minus strand). Cytogenetic location: 7q21.11.
Variant type: single nucleotide variant.
Coding change: c.1768+7A>C on transcript NM_001384900.1 (MANE Select); 7 bases into the intron after coding-DNA position 1768, A replaced by C.
Molecular consequence: intron variant.
Genome position (GRCh38, 1-based): chr7:85,012,775, T>G on the plus strand (A>C on the coding strand, the complement: SEMA3D is on the minus strand). VCF-style: chr7-85012775-T-G. GRCh37 (hg19) VCF-style: chr7-84642091-T-G.
Other names: c.1768+7A>C (NM_001384901.1, NM_001384903.1, NM_001384902.1 and 1 more transcripts).
Identifiers: ClinVar variation 3357434 (VCV003357434.1).

ClinVar aggregate classification (germline): Likely benign (0 of 4 stars; one submission).

Conditions:
SEMA3D-related disorder. Also called: SEMA3D-related condition.

gnomAD v4.1: 4 of 1,605,024 alleles (0.00025%); highest among the groups gnomAD compares: African/African-American, 0.0054%; no homozygotes.

Submission:

PreventionGenetics, part of Exact Sciences
Classification: Likely benign for SEMA3D-related condition. Last evaluated: 2023-12-21. Review status: no assertion criteria provided. Collection method: clinical testing. Allele origin: germline.
Comment: This variant is classified as likely benign based on ACMG/AMP sequence variant interpretation guidelines (Richards et al. 2015 PMID: 25741868, with internal and published modifications).